The following is an entry in ClinVar:

NM_006265.3(RAD21):c.374+31A>G

Gene: RAD21 (RAD21 cohesin complex component; minus strand). Cytogenetic location: 8q24.11.
Variant type: single nucleotide variant.
Coding change: c.374+31A>G on transcript NM_006265.3 (MANE Select); 31 bases into the intron after coding-DNA position 374, A replaced by G.
Molecular consequence: intron variant.
Genome position (GRCh38, 1-based): chr8:116,861,810, T>C on the plus strand (A>G on the coding strand, the complement: RAD21 is on the minus strand). VCF-style: chr8-116861810-T-C. GRCh37 (hg19) VCF-style: chr8-117874049-T-C.
Identifiers: ClinVar variation 1703187 (VCV001703187.3), dbSNP rs777370843, ClinGen allele CA2580078574.

ClinVar aggregate classification (germline): Uncertain significance (1 of 4 stars; one submission).

Submission:

Greenwood Genetic Center Diagnostic Laboratories, Greenwood Genetic Center
Classification: Uncertain significance. Last evaluated: 2022-05-06. Review status: criteria provided, single submitter. Criteria: ACMG Guidelines, 2015. Collection method: clinical testing. Allele origin: germline. Affected: yes.
Comment: PM2